The following is an entry in ClinVar:

NM_001510.4(GRID2):c.2975C>T (p.Thr992Ile)

Gene: GRID2 (glutamate ionotropic receptor delta type subunit 2; plus strand). Cytogenetic location: 4q22.2.
Variant type: single nucleotide variant.
Coding change: c.2975C>T on transcript NM_001510.4 (MANE Select); coding-DNA position 2975, C replaced by T.
Protein change: p.Thr992Ile; replaces threonine 992 with isoleucine.
Molecular consequence: missense variant.
Genome position (GRCh38, 1-based): chr4:93,772,449, C>T. VCF-style: chr4-93772449-C-T. GRCh37 (hg19) VCF-style: chr4-94693600-C-T.
Other names: c.2975C>T (NM_001510.2); c.2690C>T, p.Thr897Ile (NM_001286838.1); short protein forms T992I, T897I.
Identifiers: ClinVar variation 2180680 (VCV002180680.5), dbSNP rs781766654, ClinGen allele CA3012637.

ClinVar aggregate classification (germline): Uncertain significance. Review status: criteria provided, multiple submitters, no conflicts (2 of 4 stars). 2 submissions from 2 submitters: Uncertain significance (2). Last evaluated 2024-07-31.

Conditions:
Inborn genetic diseases. Identifiers: MedGen C0950123, MeSH D030342.

Allele frequency attached by ClinVar (database versions not stated): gnomAD exomes 0.00001; TOPMed 0.00001; ExAC 0.00003; gnomAD 0.00001.
gnomAD v4.1: 15 of 1,611,172 alleles (0.00093%); highest among the groups gnomAD compares: Admixed American, 0.025%; no homozygotes.

Submissions (2):

Ambry Genetics
Classification: Uncertain significance for Inborn genetic diseases. Last evaluated: 2024-07-31. Review status: criteria provided, single submitter. Criteria: Ambry Variant Classification Scheme 2023. Collection method: clinical testing. Allele origin: germline.

Labcorp Genetics (formerly Invitae), Labcorp
Classification: Uncertain significance. Last evaluated: 2023-08-17. Review status: criteria provided, single submitter. Criteria: Invitae Variant Classification Sherloc (09022015). Collection method: clinical testing. Allele origin: germline.
Comment: This sequence change replaces threonine, which is neutral and polar, with isoleucine, which is neutral and non-polar, at codon 992 of the GRID2 protein (p.Thr992Ile). This variant is present in population databases (rs781766654, gnomAD 0.04%). This variant has not been reported in the literature in individuals affected with GRID2-related conditions. ClinVar contains an entry for this variant (Variation ID: 2180680). An algorithm developed to predict the effect of missense changes on protein structure and function (PolyPhen-2) suggests that this variant is likely to be tolerated. In summary, the available evidence is currently insufficient to determine the role of this variant in disease. Therefore, it has been classified as a Variant of Uncertain Significance.